The following is an entry in ClinVar:

ClinVar aggregate classification (germline): Uncertain significance. Review status: criteria provided, multiple submitters, no conflicts (2 of 4 stars). 2 submissions from 2 submitters: Uncertain significance (2). Last evaluated 2025-12-08.

Conditions:
Ehlers-Danlos syndrome, classic type, 1 (EDSCL1). Also called: Ehlers-Danlos Syndrome, Classic Type, COL5A1-Related; EDS I; Ehlers-Danlos syndrome, type 1; EHLERS-DANLOS SYNDROME, GRAVIS TYPE; EHLERS-DANLOS SYNDROME, SEVERE CLASSIC TYPE. Identifiers: MedGen C0268335, MONDO:0019567, OMIM 130000.
Familial thoracic aortic aneurysm and aortic dissection (TAAD). Also called: Thoracic aortic aneurysms and dissections. Identifiers: Orphanet 91387, MedGen C4707243, MONDO:0019625.

Allele frequency attached by ClinVar (database versions not stated): gnomAD 0.00002 and 0.00003; TOPMed 0.00009.
gnomAD v4.1: 6 of 1,614,048 alleles (0.00037%); highest among the groups gnomAD compares: Admixed American, 0.0033%; no homozygotes.

Submissions (2):

Labcorp Genetics (formerly Invitae), Labcorp
Classification: Uncertain significance for Ehlers-Danlos syndrome, classic type, 1. Last evaluated: 2025-12-08. Review status: criteria provided, single submitter. Criteria: Invitae Variant Classification Sherloc (09022015). Collection method: clinical testing. Allele origin: germline.
Comment: This sequence change replaces glutamine, which is neutral and polar, with histidine, which is basic and polar, at codon 1082 of the COL5A2 protein (p.Gln1082His). This variant is not present in population databases (gnomAD no frequency). This variant has not been reported in the literature in individuals affected with COL5A2-related conditions. ClinVar contains an entry for this variant (Variation ID: 519669). Invitae Evidence Modeling of protein sequence and biophysical properties (such as structural, functional, and spatial information, amino acid conservation, physicochemical variation, residue mobility, and thermodynamic stability) indicates that this missense variant is not expected to disrupt COL5A2 protein function with a negative predictive value of 80%. In summary, the available evidence is currently insufficient to determine the role of this variant in disease. Therefore, it has been classified as a Variant of Uncertain Significance.

Ambry Genetics
Classification: Uncertain significance for Familial thoracic aortic aneurysm and aortic dissection. Last evaluated: 2025-03-12. Review status: criteria provided, single submitter. Criteria: Ambry Variant Classification Scheme 2023. Collection method: clinical testing. Allele origin: germline.
Comment: The p.Q1082H variant (also known as c.3246G>C), located in coding exon 46 of the COL5A2 gene, results from a G to C substitution at nucleotide position 3246. The glutamine at codon 1082 is replaced by histidine, an amino acid with highly similar properties. This amino acid position is not well conserved in available vertebrate species. In addition, the in silico prediction for this alteration is inconclusive. Based on the available evidence, the clinical significance of this variant remains unclear.

NM_000393.5(COL5A2):c.3246G>C (p.Gln1082His)

Gene: COL5A2 (collagen type V alpha 2 chain; minus strand). Cytogenetic location: 2q32.2.
Variant type: single nucleotide variant.
Coding change: c.3246G>C on transcript NM_000393.5 (MANE Select); coding-DNA position 3246, G replaced by C.
Protein change: p.Gln1082His; replaces glutamine 1082 with histidine.
Molecular consequence: missense variant.
Genome position (GRCh38, 1-based): chr2:189,045,863, C>G on the plus strand (G>C on the coding strand, the complement: COL5A2 is on the minus strand). VCF-style: chr2-189045863-C-G. GRCh37 (hg19) VCF-style: chr2-189910589-C-G.
Other names: short protein forms Q1082H.
Identifiers: ClinVar variation 519669 (VCV000519669.17), dbSNP rs1039715132, ClinGen allele CA62590030.